The following is an entry in ClinVar:

ClinVar aggregate classification (germline): Uncertain significance (1 of 4 stars; one submission).

Allele frequency attached by ClinVar (database versions not stated): gnomAD 0.00001; gnomAD exomes below 0.00001; TOPMed below 0.00001.
gnomAD v4.1: 4 of 1,607,372 alleles (0.00025%); highest among the groups gnomAD compares: East Asian, 0.0022%; no homozygotes.

Submission:

Labcorp Genetics (formerly Invitae), Labcorp
Classification: Uncertain significance. Last evaluated: 2025-04-23. Review status: criteria provided, single submitter. Criteria: Invitae Variant Classification Sherloc (09022015). Collection method: clinical testing. Allele origin: germline.
Comment: This sequence change falls in intron 20 of the CLCN7 gene. It does not directly change the encoded amino acid sequence of the CLCN7 protein. This variant is not present in population databases (gnomAD no frequency). This variant has not been reported in the literature in individuals affected with CLCN7-related conditions. ClinVar contains an entry for this variant (Variation ID: 2783379). Algorithms developed to predict the effect of sequence changes on RNA splicing suggest that this variant may disrupt the consensus splice site. In summary, the available evidence is currently insufficient to determine the role of this variant in disease. Therefore, it has been classified as a Variant of Uncertain Significance.

NM_001287.6(CLCN7):c.1884-15G>A

Gene: CLCN7 (Cl-/H+ antiporter 7; minus strand). Cytogenetic location: 16p13.3.
Variant type: single nucleotide variant.
Coding change: c.1884-15G>A on transcript NM_001287.6 (MANE Select); 15 bases into the intron before coding-DNA position 1884, G replaced by A.
Molecular consequence: intron variant.
Genome position (GRCh38, 1-based): chr16:1,448,499, C>T on the plus strand (G>A on the coding strand, the complement: CLCN7 is on the minus strand). VCF-style: chr16-1448499-C-T. GRCh37 (hg19) VCF-style: chr16-1498500-C-T.
Other names: c.1812-15G>A (NM_001114331.3).
Identifiers: ClinVar variation 2783379 (VCV002783379.3), dbSNP rs1007301275, ClinGen allele CA276668850.
Genomic context (GRCh38, chr16:1,448,499, plus strand): 5'-CTTCTCACGCCGCCTCAGGCAGGTCACTGGTGTGCTCATCACCTCCCTGCCGGAGGAGCC[C>T]GGCCACACATGCCCGTCACACGCCACCAACTCCCACAGTTACCTCTGCGGGCTGGTGAGG-3'